The following is an entry in ClinVar:

NM_001943.5(DSG2):c.2066G>T (p.Gly689Val)

Genes: DSG2 (desmoglein 2; plus strand), DSG2-AS1 (DSG2 antisense RNA 1; minus strand). Cytogenetic location: 18q12.1.
Variant type: single nucleotide variant.
Coding change: c.2066G>T on transcript NM_001943.5 (MANE Select); coding-DNA position 2066, G replaced by T.
Protein change: p.Gly689Val; replaces glycine 689 with valine.
Molecular consequence: missense variant.
Genome position (GRCh38, 1-based): chr18:31,542,584, G>T. VCF-style: chr18-31542584-G-T. GRCh37 (hg19) VCF-style: chr18-29122547-G-T.
Other names: short protein forms G689V.
Identifiers: ClinVar variation 3386595 (VCV003386595.1).

ClinVar aggregate classification (germline): Uncertain significance (1 of 4 stars; one submission).

Conditions:
Arrhythmogenic right ventricular cardiomyopathy (ARVD). Also called: Arrhythmogenic right ventricular dysplasia; Cardiomyopathy, ARVC; Arrhythmogenic cardiomyopathy; Arrhythmogenic Right Ventricular Cardiomyopathy (ARVC). Identifiers: Orphanet 247, MedGen C0349788, MeSH D019571, MONDO:0016587. Disease mechanism: loss of function. Inheritance: Various modes of inheritance.

gnomAD v4.1: 1 of 1,614,110 alleles (0.000062%); highest among the groups gnomAD compares: Non-Finnish European, 0.000085%; no homozygotes.

Submission:

All of Us Research Program, National Institutes of Health
Classification: Uncertain significance for Arrhythmogenic right ventricular cardiomyopathy. Last evaluated: 2024-04-16. Review status: criteria provided, single submitter. Criteria: ACMG Guidelines, 2015. Collection method: clinical testing. Allele origin: germline. Inheritance: Autosomal dominant inheritance. Observed: 1 variant allele, 1 heterozygote.
Comment: This missense variant replaces glycine with valine at codon 689 of the DSG2 protein. Computational prediction suggests that this variant may not impact protein structure and function (internally defined REVEL score threshold <= 0.5, PMID: 27666373). To our knowledge, functional studies have not been reported for this variant. This variant has not been reported in individuals affected with DSG2-related disorders in the literature. This variant has been identified in 1/249380 chromosomes in the general population by the Genome Aggregation Database (gnomAD). The available evidence is insufficient to determine the role of this variant in disease conclusively. Therefore, this variant is classified as a Variant of Uncertain Significance.

This study involves interpretation of variants in research participants for the purpose of population health screening. Participant phenotype was not available at the time of variant classification. Additional details can be found in publication PMID: 35346344, PMCID: PMC8962531